The following is an entry in ClinVar:

ClinVar aggregate classification (germline): Uncertain significance (1 of 4 stars; one submission).

Conditions:
Inborn genetic diseases. Identifiers: MedGen C0950123, MeSH D030342.

Submission:

Ambry Genetics
Classification: Uncertain significance for Inborn genetic diseases. Last evaluated: 2026-07-07. Review status: criteria provided, single submitter. Criteria: Ambry Variant Classification Scheme 2023. Collection method: clinical testing. Allele origin: germline.
Comment: The p.V1240I variant (also known as c.3718G>A), located in coding exon 30 of the CACNA1S gene, results from a G to A substitution at nucleotide position 3718. The valine at codon 1240 is replaced by isoleucine, an amino acid with highly similar properties. This amino acid position is conserved. In addition, the in silico prediction for this alteration is inconclusive. Based on the available evidence, the clinical significance of this variant remains unclear.

NM_000069.3(CACNA1S):c.3718G>A (p.Val1240Ile)

Gene: CACNA1S (calcium voltage-gated channel subunit alpha1 S; minus strand). Cytogenetic location: 1q32.1.
Variant type: single nucleotide variant.
Coding change: c.3718G>A on transcript NM_000069.3 (MANE Select); coding-DNA position 3718, G replaced by A.
Protein change: p.Val1240Ile; replaces valine 1240 with isoleucine.
Molecular consequence: missense variant.
Genome position (GRCh38, 1-based): chr1:201,053,536, C>T on the plus strand (G>A on the coding strand, the complement: CACNA1S is on the minus strand). VCF-style: chr1-201053536-C-T. GRCh37 (hg19) VCF-style: chr1-201022664-C-T.
Other names: short protein forms V1240I.
Identifiers: ClinVar variation 5033626 (VCV005033626.1).